The following is an entry in ClinVar:

NM_003737.4(DCHS1):c.4374C>G (p.Phe1458Leu)

Gene: DCHS1 (dachsous cadherin-related 1; minus strand). Cytogenetic location: 11p15.4.
Variant type: single nucleotide variant.
Coding change: c.4374C>G on transcript NM_003737.4 (MANE Select); coding-DNA position 4374, C replaced by G.
Protein change: p.Phe1458Leu; replaces phenylalanine 1458 with leucine.
Molecular consequence: missense variant.
Genome position (GRCh38, 1-based): chr11:6,630,420, G>C on the plus strand (C>G on the coding strand, the complement: DCHS1 is on the minus strand). VCF-style: chr11-6630420-G-C. GRCh37 (hg19) VCF-style: chr11-6651651-G-C.
Other names: short protein forms F1458L.
Identifiers: ClinVar variation 4809200 (VCV004809200.1).
Genomic context (GRCh38, chr11:6,630,420, plus strand): 5'-GCGCAGCAGGCGGTAGCGCACGTCGCTATTGGGGCCGGGGCCGTCGGCGTCCGACGCGCG[G>C]AAAGTGTACAGCGCTGCGCCGGGCTCCGGGTTCTCTGGCAGCGCCAGCGCCAGCGGGTCG-3'
Protein context (NP_003728.1, residues 1448-1468): NPEPGAALYT[Phe1458Leu]RASDADGPGP

ClinVar aggregate classification (germline): Uncertain significance (1 of 4 stars; one submission).

Submission:

Labcorp Genetics (formerly Invitae), Labcorp
Classification: Uncertain significance. Last evaluated: 2025-09-15. Review status: criteria provided, single submitter. Criteria: Invitae Variant Classification Sherloc (09022015). Collection method: clinical testing. Allele origin: germline.
Comment: This sequence change replaces phenylalanine, which is neutral and non-polar, with leucine, which is neutral and non-polar, at codon 1458 of the DCHS1 protein (p.Phe1458Leu). This variant is not present in population databases (gnomAD no frequency). This variant has not been reported in the literature in individuals affected with DCHS1-related conditions. Invitae Evidence Modeling of protein sequence and biophysical properties (such as structural, functional, and spatial information, amino acid conservation, physicochemical variation, residue mobility, and thermodynamic stability) indicates that this missense variant is not expected to disrupt DCHS1 protein function with a negative predictive value of 80%. In summary, the available evidence is currently insufficient to determine the role of this variant in disease. Therefore, it has been classified as a Variant of Uncertain Significance.